The following is an entry in ClinVar:

ClinVar aggregate classification (germline): Uncertain significance (1 of 4 stars; one submission).

Conditions:
Developmental and epileptic encephalopathy. Identifiers: MedGen C5779964, MONDO:0100620.

gnomAD v4.1: 3 of 1,598,584 alleles (0.00019%); highest among the groups gnomAD compares: Non-Finnish European, 0.00026%; no homozygotes.

Submission:

Labcorp Genetics (formerly Invitae), Labcorp
Classification: Uncertain significance for Early-infantile DEE. Last evaluated: 2021-09-01. Review status: criteria provided, single submitter. Criteria: Invitae Variant Classification Sherloc (09022015). Collection method: clinical testing. Allele origin: germline.
Comment: This sequence change replaces phenylalanine with leucine at codon 701 of the KCNQ2 protein (p.Phe701Leu). The phenylalanine residue is moderately conserved and there is a small physicochemical difference between phenylalanine and leucine. This variant is not present in population databases (ExAC no frequency). This variant has not been reported in the literature in individuals affected with KCNQ2-related conditions. Algorithms developed to predict the effect of missense changes on protein structure and function (SIFT, PolyPhen-2, Align-GVGD) all suggest that this variant is likely to be tolerated. In summary, the available evidence is currently insufficient to determine the role of this variant in disease. Therefore, it has been classified as a Variant of Uncertain Significance.

NM_172107.4(KCNQ2):c.2103C>G (p.Phe701Leu)

Gene: KCNQ2 (potassium voltage-gated channel subfamily Q member 2; minus strand). Cytogenetic location: 20q13.33.
Variant type: single nucleotide variant.
Coding change: c.2103C>G on transcript NM_172107.4 (MANE Select); coding-DNA position 2103, C replaced by G.
Protein change: p.Phe701Leu; replaces phenylalanine 701 with leucine.
Molecular consequence: missense variant.
Genome position (GRCh38, 1-based): chr20:63,407,160, G>C on the plus strand (C>G on the coding strand, the complement: KCNQ2 is on the minus strand). VCF-style: chr20-63407160-G-C. GRCh37 (hg19) VCF-style: chr20-62038513-G-C.
Other names: c.2157C>G, p.Phe719Leu (NM_001382235.1); c.2019C>G, p.Phe673Leu (NM_004518.6); c.2049C>G, p.Phe683Leu (NM_172106.3); c.2010C>G, p.Phe670Leu (NM_172108.5); short protein forms F670L, F673L, F683L, F701L, F719L.
Identifiers: ClinVar variation 1052247 (VCV001052247.7), dbSNP rs554863606, ClinGen allele CA409638983.